The following is an entry in ClinVar:

ClinVar aggregate classification (germline): Uncertain significance. Review status: criteria provided, multiple submitters, no conflicts (2 of 4 stars). 2 submissions from 2 submitters: Uncertain significance (2). Last evaluated 2025-01-20.

Conditions:
Inborn genetic diseases. Identifiers: MedGen C0950123, MeSH D030342.

Allele frequency attached by ClinVar (database versions not stated): TOPMed 0.00001; gnomAD 0.00002; ExAC 0.00006; 1000 Genomes Project 30x 0.00016; 1000 Genomes Project 0.00020.
gnomAD v4.1: 52 of 1,613,484 alleles (0.0032%); highest among the groups gnomAD compares: Middle Eastern, 0.017%; no homozygotes.

Submissions (2):

Ambry Genetics
Classification: Uncertain significance for Inborn genetic diseases. Last evaluated: 2025-01-20. Review status: criteria provided, single submitter. Criteria: Ambry Variant Classification Scheme 2023. Collection method: clinical testing. Allele origin: germline.

Labcorp Genetics (formerly Invitae), Labcorp
Classification: Uncertain significance. Last evaluated: 2022-08-19. Review status: criteria provided, single submitter. Criteria: Invitae Variant Classification Sherloc (09022015). Collection method: clinical testing. Allele origin: germline.
Comment: In summary, the available evidence is currently insufficient to determine the role of this variant in disease. Therefore, it has been classified as a Variant of Uncertain Significance. Advanced modeling of protein sequence and biophysical properties (such as structural, functional, and spatial information, amino acid conservation, physicochemical variation, residue mobility, and thermodynamic stability) performed at Invitae indicates that this missense variant is expected to disrupt SI protein function. This variant has not been reported in the literature in individuals affected with SI-related conditions. This variant is present in population databases (rs191598487, gnomAD 0.02%). This sequence change replaces arginine, which is basic and polar, with histidine, which is basic and polar, at codon 1686 of the SI protein (p.Arg1686His).

NM_001041.4(SI):c.5057G>A (p.Arg1686His)

Gene: SI (sucrase-isomaltase; minus strand). Cytogenetic location: 3q26.1.
Variant type: single nucleotide variant.
Coding change: c.5057G>A on transcript NM_001041.4 (MANE Select); coding-DNA position 5057, G replaced by A.
Protein change: p.Arg1686His; replaces arginine 1686 with histidine.
Molecular consequence: missense variant.
Genome position (GRCh38, 1-based): chr3:164,991,404, C>T on the plus strand (G>A on the coding strand, the complement: SI is on the minus strand). VCF-style: chr3-164991404-C-T. GRCh37 (hg19) VCF-style: chr3-164709192-C-T.
Other names: c.5057G>A (NM_001041.3); short protein forms R1686H.
Identifiers: ClinVar variation 1919534 (VCV001919534.4), dbSNP rs191598487, ClinGen allele CA2689677.
Genomic context (GRCh38, chr3:164,991,404, plus strand): 5'-TTCACTTACCTGTAAAATGTGTTTTGAGCTGGCTCTTGACATGGTAGGATGTGACCACCA[C>T]GGACATGTAGGTTTATTGTGTCATAAGAAGCATTAAATGTTTGAAATTGTCCTCTGACGC-3'
Protein context (NP_001032.2, residues 1676-1696): ASYDTINLHV[Arg1686His]GGHILPCQEP